The following is an entry in ClinVar:

NM_000059.4(BRCA2):c.8953+1_8953+2insGCCGGGCGCGGTGGCTCACGCCTGTAGTCCCAGCACATGGGGAGGCCGAGGCGGGTGGATCGGGTGGACACGAGANNNNNNNNNNAAAAAAAAAAAAAAAAAAAAAAAAAAAGAAAAAGATTCAGG

Gene: BRCA2 (BRCA2 DNA repair associated; plus strand). Cytogenetic location: 13q13.1.
Variant type: Microsatellite.
Coding change: c.8953+1_8953+2insGCCGGGCGCGGTGGCTCACGCCTGTAGTCCCAGCACATGGGGAGGCCGAGGCGGGTGGATCGGGTGGACACGAGANNNNNNNNNNAAAAAAAAAAAAAAAAAAAAAAAAAAAGAAAAAGATTCAGG on transcript NM_000059.4 (MANE Select); the canonical splice donor site of the intron after coding-DNA position 8953, GCCGGGCGCGGTGGCTCACGCCTGTAGTCCCAGCACATGGGGAGGCCGAGGCGGGTGGATCGGGTGGACACGAGANNNNNNNNNNAAAAAAAAAAAAAAAAAAAAAAAAAAAGAAAAAGATTCAGG inserted.
Molecular consequence: splice donor variant.
Genome position: GRCh38: chr13:32,379,496-32,379,516. GRCh37 (hg19): chr13:32,953,633-32,953,653.
Identifiers: ClinVar variation 2065215 (VCV002065215.4).

ClinVar aggregate classification (germline): Likely pathogenic (1 of 4 stars; one submission).

Conditions:
Hereditary breast ovarian cancer syndrome. Also called: Hereditary breast and ovarian cancer; Hereditary breast and/or ovarian cancer syndrome; Hereditary breast and ovarian cancer syndrome; Hereditary breast and ovarian cancer syndrome (HBOC); Breast and ovarian cancer; BRCA1- and BRCA2-Associated Hereditary Breast and Ovarian Cancer. Identifiers: Orphanet 145, MedGen C0677776, MeSH D061325, MONDO:0003582. Disease mechanism: loss of function.

Submission:

Labcorp Genetics (formerly Invitae), Labcorp
Classification: Likely pathogenic for Hereditary breast ovarian cancer syndrome. Last evaluated: 2024-08-13. Review status: criteria provided, single submitter. Criteria: Invitae Variant Classification Sherloc (09022015). Collection method: clinical testing. Allele origin: germline.
Comment: This sequence change affects the donor splice site and inserts a large fragment of DNA, likely a transposable element, in intron 22 of the BRCA2 gene. It is expected to disrupt RNA splicing. Variants that disrupt the donor or acceptor splice site typically lead to a loss of protein function (PMID: 16199547), and loss-of-function variants in BRCA2 are known to be pathogenic (PMID: 20104584). This variant is not present in population databases (gnomAD no frequency). This variant has not been reported in the literature in individuals affected with BRCA2-related conditions. Algorithms developed to predict the effect of sequence changes on RNA splicing suggest that this variant may disrupt the consensus splice site. In summary, the currently available evidence indicates that the variant is pathogenic, but additional data are needed to prove that conclusively. Therefore, this variant has been classified as Likely Pathogenic.

Literature cited by the submitters: PubMed 16199547; PubMed 20104584.